The following is an entry in ClinVar:

NM_005912.3(MC4R):c.343_344del (p.Gln115fs)

Gene: MC4R (melanocortin 4 receptor; minus strand). Cytogenetic location: 18q21.32.
Variant type: Microsatellite.
Coding change: c.343_344del on transcript NM_005912.3 (MANE Select); coding-DNA positions 343 to 344, 2 bases deleted (CA; older notation c.343_344delCA).
Protein change: p.Gln115fs; shifts the reading frame from glutamine 115.
Molecular consequence: frameshift variant.
Genome position (GRCh38, 1-based): chr18:60,372,006-60,372,007, TG deleted on the plus strand (CA on the coding strand, the reverse complement: MC4R is on the minus strand); deleting any 2 consecutive bases within chr18:60,372,006-60,372,009 gives the same sequence; the c. name uses the placement nearest the transcript's 3' end. VCF-style (leftmost placement, unchanged base first): chr18-60372005-CTG-C. GRCh37 (hg19) VCF-style: chr18-58039238-CTG-C.
Other names: short protein forms Q115fs.
Identifiers: ClinVar variation 2634260 (VCV002634260.4), dbSNP rs1333647919, ClinGen allele CA630399121.

ClinVar aggregate classification (germline): Likely pathogenic. Review status: criteria provided, single submitter (1 of 4 stars). 2 submissions from 2 submitters: Likely pathogenic (1). 1 of the submissions does not count toward it. Last evaluated 2026-09-29.

Conditions:
MC4R-related disorder. Also called: MC4R-related condition.
Early onset severe obesity. Identifiers: MedGen C4013980.

Submissions (2):

Cambridge Genomics Laboratory, East Genomic Laboratory Hub, NHS Genomic Medicine Service
Classification: Likely pathogenic for Severe early-onset obesity. Last evaluated: 2026-09-29. Review status: criteria provided, single submitter. Criteria: ACGS Best Practice Guidelines for Variant Classification in Rare Disease 2020. Collection method: clinical testing. Allele origin: germline. Affected: yes.
Comment: PVS1_Strong,PM2

PreventionGenetics, part of Exact Sciences
Classification: Pathogenic for MC4R-related condition. Last evaluated: 2024-04-10. Review status: no assertion criteria provided. Collection method: clinical testing. Allele origin: germline. Not counted in ClinVar's aggregate classification.
Comment: The MC4R c.343_344delCA variant is predicted to result in a frameshift and premature protein termination (p.Gln115Glufs*7). This variant has been reported in the heterozygous state in an individual with severe obesity (Seelig et al. 2022. PubMed ID: 34694010). This variant is reported in 0.00088% of alleles in individuals of European (Non-Finnish) descent in gnomAD. Frameshift variants in MC4R are expected to be pathogenic. This variant is interpreted as pathogenic.